The following is an entry in ClinVar:

ClinVar aggregate classification (germline): Uncertain significance (1 of 4 stars; one submission).

Submission:

Labcorp Genetics (formerly Invitae), Labcorp
Classification: Uncertain significance. Last evaluated: 2024-04-22. Review status: criteria provided, single submitter. Criteria: Invitae Variant Classification Sherloc (09022015). Collection method: clinical testing. Allele origin: germline.
Comment: This sequence change falls in intron 23 of the CACNA1D gene. It does not directly change the encoded amino acid sequence of the CACNA1D protein. This variant is not present in population databases (gnomAD no frequency). This variant has not been reported in the literature in individuals affected with CACNA1D-related conditions. Algorithms developed to predict the effect of sequence changes on RNA splicing suggest that this variant may disrupt the consensus splice site. In summary, the available evidence is currently insufficient to determine the role of this variant in disease. Therefore, it has been classified as a Variant of Uncertain Significance.

NM_001128840.3(CACNA1D):c.2919-6C>G

Gene: CACNA1D (calcium voltage-gated channel subunit alpha1 D; plus strand). Cytogenetic location: 3p21.1.
Variant type: single nucleotide variant.
Coding change: c.2919-6C>G on transcript NM_001128840.3 (MANE Select); 6 bases into the intron before coding-DNA position 2919, C replaced by G.
Molecular consequence: intron variant.
Genome position (GRCh38, 1-based): chr3:53,744,734, C>G. VCF-style: chr3-53744734-C-G. GRCh37 (hg19) VCF-style: chr3-53778761-C-G.
Other names: c.2919-6C>G (NM_001128839.3); c.2979-6C>G (NM_000720.4).
Identifiers: ClinVar variation 3650494 (VCV003650494.2).
Genomic context (GRCh38, chr3:53,744,734, plus strand): 5'-TGAATCTCAAAGCATCCTGTCCATTTATAACACGCTCTGCCTGCCGTCTTTCTGCTCCTT[C>G]CCTAGATCCAGTGCCATCTCCGTTGTGAAGATTCTGAGGGTCTTAAGGGTCCTGCGTCCC-3'